The following is an entry in ClinVar:

NM_000277.3(PAH):c.1149del (p.Gln383fs)

Gene: PAH (phenylalanine hydroxylase; minus strand). Cytogenetic location: 12q23.2.
Variant type: Deletion.
Coding change: c.1149del on transcript NM_000277.3 (MANE Select); coding-DNA position 1149, one base deleted (G; older notation c.1149delG).
Protein change: p.Gln383fs; shifts the reading frame from glutamine 383.
Molecular consequence: frameshift variant.
Genome position (GRCh38, 1-based): chr12:102,843,696, C deleted on the plus strand (G on the coding strand, the reverse complement: PAH is on the minus strand). VCF-style (leftmost placement, unchanged base first): chr12-102843695-GC-G. GRCh37 (hg19) VCF-style: chr12-103237473-GC-G.
Other names: c.1149del, p.Gln383fs (NM_001354304.2); short protein forms Q383fs.
Identifiers: ClinVar variation 971100 (VCV000971100.7), dbSNP rs1874691210, ClinGen allele CA1139662837.

ClinVar aggregate classification (germline): Pathogenic (1 of 4 stars; one submission).

Conditions:
Phenylketonuria (PKU). Also called: OLIGOPHRENIA PHENYLPYRUVICA; Phenylketonuria (PKU); Phenylketonurias; FOLLING DISEASE. Identifiers: Orphanet 716, MedGen C0031485, MONDO:0009861, OMIM 261600. Disease mechanism: loss of function.

Submission:

Labcorp Genetics (formerly Invitae), Labcorp
Classification: Pathogenic for Phenylketonuria. Last evaluated: 2019-11-12. Review status: criteria provided, single submitter. Criteria: Invitae Variant Classification Sherloc (09022015). Collection method: clinical testing. Allele origin: germline.
Comment: For these reasons, this variant has been classified as Pathogenic. Loss-of-function variants in PAH are known to be pathogenic (PMID: 1301187, 9634518). This variant has not been reported in the literature in individuals with PAH-related conditions. This variant is not present in population databases (ExAC no frequency). This sequence change creates a premature translational stop signal (p.Gln383Hisfs*17) in the PAH gene. It is expected to result in an absent or disrupted protein product.

Literature cited by the submitters: PubMed 1301187; PubMed 9634518.